The following is an entry in ClinVar:

GRCh38/hg38 19q13.32-13.33(chr19:47257435-47886413)x1

Genes: TPRX1 (tetrapeptide repeat homeobox 1; minus strand), ZNF541 (zinc finger protein 541; minus strand), CCDC9 (coiled-coil domain containing 9; plus strand), SNORD23 (small nucleolar RNA, C/D box 23; plus strand), CRX (cone-rod homeobox; plus strand) and 53 more. Cytogenetic location: 19q13.32-13.33.
Variant type: copy number loss.
Change: copy number 1 (one copy instead of two) of chr19:47,257,435-47,886,413 (629.0 kb, GRCh38 coordinates, 1-based), cytogenetic band 19q13.32-13.33.
Identifiers: ClinVar variation 2579250 (VCV002579250.1).

ClinVar aggregate classification (germline): Uncertain significance (1 of 4 stars; one submission).

Conditions:
Cone-rod dystrophy 2 (CORD2). Also called: CONE-ROD RETINAL DYSTROPHY; Cone-rod retinal dystrophy 2. Identifiers: Orphanet 1872, MedGen C3489532, MONDO:0007362, OMIM 120970.

Submission:

Broad Center for Mendelian Genomics, Broad Institute of MIT and Harvard
Classification: Uncertain significance for Cone-rod dystrophy 2. Last evaluated: 2023-08-24. Review status: criteria provided, single submitter. Criteria: ACMG/ClinGen CNV Guidelines, 2019. Collection method: research. Allele origin: de novo. Inheritance: Autosomal dominant inheritance. Affected: yes.
Comment: These breakpoints have been estimated by exome sequencing only and therefore may not reflect the true breakpoints. The patient phenotype is nonspecific, but is consistent with cases described in the literature and/or published databases with overlapping variants. There is complete overlap with the CRX gene, which is suspected to be haploinsufficient but has not been assessed by the ClinGen Dosage Sensitivity Working Group. One reported proband from the literature with cone rod dystrophy has a LoF variant in CRX. The variant reported is confirmed de novo and the reported phenotype is nonspecific (PMID: 29555955). In summary, while there is some suspicion for a pathogenic role, the clinical significance of this variant is uncertain. The ACMG/ClinGen evidence codes and points used in this curation are as follows: 1: 0 points, 2: 0 points, 3: 0 points, 4-5: 0.30 points; Total: 0.30 points; Riggs 2020 (PMID: 31690835).

Literature cited by the submitters: PubMed 29555955.